The following is an entry in ClinVar:

NM_000051.4(ATM):c.7782T>A (p.Leu2594=)

Genes: ATM (ATM serine/threonine kinase; plus strand), C11orf65 (chromosome 11 open reading frame 65; minus strand). Cytogenetic location: 11q22.3.
Variant type: single nucleotide variant.
Coding change: c.7782T>A on transcript NM_000051.4 (MANE Select); coding-DNA position 7782, T replaced by A.
Protein change: p.Leu2594=; no amino-acid change (leucine 2594 retained).
Molecular consequence: synonymous variant. On other transcripts: intron variant (2).
Genome position (GRCh38, 1-based): chr11:108,332,031, T>A. VCF-style: chr11-108332031-T-A. GRCh37 (hg19) VCF-style: chr11-108202758-T-A.
Other names: c.7782T>A, p.Leu2594= (NM_001351834.2); c.641-22960A>T (NM_001330368.2); c.*38+3189A>T (NM_001351110.2).
Identifiers: ClinVar variation 508251 (VCV000508251.15), dbSNP rs905474729, ClinGen allele CA228418791.

ClinVar aggregate classification (germline): Likely benign. Review status: criteria provided, multiple submitters, no conflicts (2 of 4 stars). 3 submissions from 3 submitters: Likely benign (3). Last evaluated 2025-11-19.

Conditions:
Hereditary cancer-predisposing syndrome. Also called: Hereditary Cancer Syndrome; Neoplastic Syndromes, Hereditary; Tumor predisposition; Hereditary neoplastic syndrome. Identifiers: Orphanet 140162, MedGen C0027672, MeSH D009386, MONDO:0015356.
Ataxia-telangiectasia syndrome (AT). Also called: Cerebello-oculocutaneous telangiectasia; Immunodeficiency with ataxia telangiectasia; Ataxia-telangiectasia, complementation group E; Ataxia-telangiectasia, complementation group D; AT, COMPLEMENTATION GROUP C; ATAXIA-TELANGIECTASIA, COMPLEMENTATION GROUP A. Identifiers: Orphanet 100, MedGen C0004135, MONDO:0008840, OMIM 208900.

Allele frequency attached by ClinVar (database versions not stated): gnomAD exomes below 0.00001.
gnomAD v4.1: 1 of 1,613,788 alleles (0.000062%); highest among the groups gnomAD compares: Non-Finnish European, 0.000085%; no homozygotes.

Submissions (3):

Labcorp Genetics (formerly Invitae), Labcorp
Classification: Likely benign for Ataxia-telangiectasia syndrome. Last evaluated: 2025-11-19. Review status: criteria provided, single submitter. Criteria: Invitae Variant Classification Sherloc (09022015). Collection method: clinical testing. Allele origin: germline.

Ambry Genetics
Classification: Likely benign for Hereditary cancer-predisposing syndrome. Last evaluated: 2019-04-28. Review status: criteria provided, single submitter. Criteria: Ambry Variant Classification Scheme 2023. Collection method: clinical testing. Allele origin: germline.

GeneDx
Classification: Likely benign. Last evaluated: 2017-03-20. Review status: criteria provided, single submitter. Criteria: GeneDx Variant Classification (06012015). Collection method: clinical testing. Allele origin: germline. Affected: yes.
Comment: This variant is considered likely benign or benign based on one or more of the following criteria: it is a conservative change, it occurs at a poorly conserved position in the protein, it is predicted to be benign by multiple in silico algorithms, and/or has population frequency not consistent with disease.